The following is an entry in ClinVar:

ClinVar aggregate classification (germline): Pathogenic (1 of 4 stars; one submission).

gnomAD v4.1: 3 of 1,561,738 alleles (0.00019%); highest among the groups gnomAD compares: Non-Finnish European, 0.00026%; no homozygotes.

Submission:

Labcorp Genetics (formerly Invitae), Labcorp
Classification: Pathogenic. Last evaluated: 2024-02-23. Review status: criteria provided, single submitter. Criteria: Invitae Variant Classification Sherloc (09022015). Collection method: clinical testing. Allele origin: germline.
Comment: This sequence change creates a premature translational stop signal (p.Arg753*) in the COL18A1 gene. It is expected to result in an absent or disrupted protein product. Loss-of-function variants in COL18A1 are known to be pathogenic (PMID: 12415512, 25456301). This variant is not present in population databases (gnomAD no frequency). This premature translational stop signal has been observed in individual(s) with Knobloch syndrome (PMID: 23667181). ClinVar contains an entry for this variant (Variation ID: 1454569). For these reasons, this variant has been classified as Pathogenic.

Literature cited by the submitters: PubMed 12415512; PubMed 25456301; PubMed 23667181.

NM_001379500.1(COL18A1):c.2257C>T (p.Arg753Ter)

Gene: COL18A1 (collagen type XVIII alpha 1 chain; plus strand). Cytogenetic location: 21q22.3.
Variant type: single nucleotide variant.
Coding change: c.2257C>T on transcript NM_001379500.1 (MANE Select); coding-DNA position 2257, C replaced by T.
Protein change: p.Arg753Ter; replaces arginine 753 with a stop codon.
Molecular consequence: nonsense.
Genome position (GRCh38, 1-based): chr21:45,493,205, C>T. VCF-style: chr21-45493205-C-T. GRCh37 (hg19) VCF-style: chr21-46913119-C-T.
Other names: c.2797C>T, p.Arg933Ter (NM_030582.4); c.3502C>T, p.Arg1168Ter (NM_130444.3); short protein forms R933*, R1168*, R753*.
Identifiers: ClinVar variation 1454569 (VCV001454569.6), dbSNP rs1280809356, ClinGen allele CA410497327.